The following is an entry in ClinVar:

ClinVar aggregate classification (germline): Pathogenic (1 of 4 stars; one submission).

Conditions:
Familial hemophagocytic lymphohistiocytosis 4 (FHL4). Also called: STX11-Related Familial Hemophagocytic Lymphohistiocytosis (STX11-fHLH). Identifiers: Orphanet 540, MedGen C1863728, MONDO:0011336, OMIM 603552.

Submission:

Labcorp Genetics (formerly Invitae), Labcorp
Classification: Pathogenic for Hemophagocytic lymphohistiocytosis, familial, 4. Last evaluated: 2018-05-03. Review status: criteria provided, single submitter. Criteria: Invitae Variant Classification Sherloc (09022015). Collection method: clinical testing. Allele origin: germline.
Comment: A gross deletion of the genomic region encompassing the full coding sequence of the STX11 gene has been identified. The boundaries of this event are unknown as the deletion extends beyond the assayed region for this gene and therefore may encompass additional genes. Similar gross deletions of STX11 have been reported in individuals affected with familial hemophagocytic lymphohistiocytosis (PMID: 15703195, 28750028). ClinVar contains an entry for this variant (Variation ID:Â¬â€ 5264. Loss-of-function variants in STX11 are known to be pathogenic (PMID: 15703195, 20486178). For these reasons, this variant has been classified as Pathogenic.

Literature cited by the submitters: PubMed 28750028; PubMed 15703195.

NC_000006.12:g.(?_144186608)_(144187511_?)del

Gene: STX11 (syntaxin 11; plus strand). Cytogenetic location: 6q24.2.
Variant type: Deletion.
Identifiers: ClinVar variation 583514 (VCV000583514.1).